The following is an entry in ClinVar:

ClinVar aggregate classification (germline): Uncertain significance. Review status: criteria provided, multiple submitters, no conflicts (2 of 4 stars). 2 submissions from 2 submitters: Uncertain significance (2). Last evaluated 2025-11-12.

Conditions:
Developmental and epileptic encephalopathy, 62. Also called: Early infantile epileptic encephalopathy 62. Identifiers: MedGen C4693699, MONDO:0033371, OMIM 617938.

Allele frequency attached by ClinVar (database versions not stated): TOPMed 0.00001; gnomAD 0.00006; ESP Exome Variant Server 0.00008.
gnomAD v4.1: 43 of 1,613,860 alleles (0.0027%); highest among the groups gnomAD compares: Non-Finnish European, 0.0035%; no homozygotes.

Submissions (2):

Labcorp Genetics (formerly Invitae), Labcorp
Classification: Uncertain significance. Last evaluated: 2025-11-12. Review status: criteria provided, single submitter. Criteria: Invitae Variant Classification Sherloc (09022015). Collection method: clinical testing. Allele origin: germline.
Comment: This sequence change replaces leucine, which is neutral and non-polar, with phenylalanine, which is neutral and non-polar, at codon 1861 of the SCN3A protein (p.Leu1861Phe). This variant is present in population databases (rs146618194, gnomAD 0.007%). This variant has not been reported in the literature in individuals affected with SCN3A-related conditions. ClinVar contains an entry for this variant (Variation ID: 664858). Invitae Evidence Modeling of protein sequence and biophysical properties (such as structural, functional, and spatial information, amino acid conservation, physicochemical variation, residue mobility, and thermodynamic stability) has been performed for this missense variant. However, the output from this modeling did not meet the statistical confidence thresholds required to predict the impact of this variant on SCN3A protein function. In summary, the available evidence is currently insufficient to determine the role of this variant in disease. Therefore, it has been classified as a Variant of Uncertain Significance.

Institute of Human Genetics, University of Leipzig Medical Center
Classification: Uncertain significance for Developmental and epileptic encephalopathy, 62. Last evaluated: 2019-01-01. Review status: criteria provided, single submitter. Criteria: ACMG Guidelines, 2015. Collection method: clinical testing. Allele origin: de novo. Affected: no.
Comment: This variant was identified as de novo.

NM_006922.4(SCN3A):c.5583G>C (p.Leu1861Phe)

Gene: SCN3A (sodium voltage-gated channel alpha subunit 3; minus strand). Cytogenetic location: 2q24.3.
Variant type: single nucleotide variant.
Coding change: c.5583G>C on transcript NM_006922.4 (MANE Select); coding-DNA position 5583, G replaced by C.
Protein change: p.Leu1861Phe; replaces leucine 1861 with phenylalanine.
Molecular consequence: missense variant.
Genome position (GRCh38, 1-based): chr2:165,090,570, C>G on the plus strand (G>C on the coding strand, the complement: SCN3A is on the minus strand). VCF-style: chr2-165090570-C-G. GRCh37 (hg19) VCF-style: chr2-165947080-C-G.
Other names: c.5436G>C, p.Leu1812Phe (NM_001081676.2, NM_001081677.2); short protein forms L1812F, L1861F.
Identifiers: ClinVar variation 664858 (VCV000664858.11), dbSNP rs146618194, ClinGen allele CA59708321.
Genomic context (GRCh38, chr2:165,090,570, plus strand): 5'-TGATGCCATAAACCTGTCTTCCATCTGTATTCGAAGGGCATCCATCTCTCCACTCTCACC[C>G]AAAACACGCTTTGTAAAGGCAAATAAAATATCAAGACAGTGGATCCGGTCACCACTGACC-3'
Protein context (NP_008853.3, residues 1851-1871): DILFAFTKRV[Leu1861Phe]GESGEMDALR